The following is an entry in ClinVar:

ClinVar aggregate classification (germline): Uncertain significance (1 of 4 stars; one submission).

Submission:

Labcorp Genetics (formerly Invitae), Labcorp
Classification: Uncertain significance. Last evaluated: 2022-06-02. Review status: criteria provided, single submitter. Criteria: Invitae Variant Classification Sherloc (09022015). Collection method: clinical testing. Allele origin: germline.
Comment: In summary, the available evidence is currently insufficient to determine the role of this variant in disease. Therefore, it has been classified as a Variant of Uncertain Significance. Algorithms developed to predict the effect of missense changes on protein structure and function are either unavailable or do not agree on the potential impact of this missense change (SIFT: "Deleterious"; PolyPhen-2: "Probably Damaging"; Align-GVGD: "Class C0"). This variant has not been reported in the literature in individuals affected with TET2-related conditions. This variant is not present in population databases (gnomAD no frequency). This sequence change replaces serine, which is neutral and polar, with isoleucine, which is neutral and non-polar, at codon 38 of the TET2 protein (p.Ser38Ile).

NM_001127208.3(TET2):c.113G>T (p.Ser38Ile)

Genes: TET2 (tet methylcytosine dioxygenase 2; plus strand), TET2-AS1 (TET2 antisense RNA 1; minus strand). Cytogenetic location: 4q24.
Variant type: single nucleotide variant.
Coding change: c.113G>T on transcript NM_001127208.3 (MANE Select); coding-DNA position 113, G replaced by T.
Protein change: p.Ser38Ile; replaces serine 38 with isoleucine.
Molecular consequence: missense variant.
Genome position (GRCh38, 1-based): chr4:105,234,055, G>T. VCF-style: chr4-105234055-G-T. GRCh37 (hg19) VCF-style: chr4-106155212-G-T.
Other names: c.113G>T, p.Ser38Ile (NM_017628.4); short protein forms S38I.
Identifiers: ClinVar variation 1996923 (VCV001996923.4), dbSNP rs2110219622, ClinGen allele CA357790450.